The following is an entry in ClinVar:

NM_012330.4(KAT6B):c.4722C>G (p.Asn1574Lys)

Gene: KAT6B (lysine acetyltransferase 6B; plus strand). Cytogenetic location: 10q22.2.
Variant type: single nucleotide variant.
Coding change: c.4722C>G on transcript NM_012330.4 (MANE Select); coding-DNA position 4722, C replaced by G.
Protein change: p.Asn1574Lys; replaces asparagine 1574 with lysine.
Molecular consequence: missense variant.
Genome position (GRCh38, 1-based): chr10:75,029,546, C>G. VCF-style: chr10-75029546-C-G. GRCh37 (hg19) VCF-style: chr10-76789304-C-G.
Other names: c.4173C>G, p.Asn1391Lys (NM_001256468.2, NM_001370138.1); c.3846C>G, p.Asn1282Lys (NM_001256469.2, NM_001370139.1, NM_001370140.1 and 2 more transcripts); c.3684C>G, p.Asn1228Lys (NM_001370132.1); c.3033C>G, p.Asn1011Lys (NM_001370133.1); c.2637C>G, p.Asn879Lys (NM_001370134.1); c.2379C>G, p.Asn793Lys (NM_001370135.1); c.4722C>G, p.Asn1574Lys (NM_001370136.1, NM_001370137.1); c.3657C>G, p.Asn1219Lys (NM_001370143.1, NM_001370144.1); short protein forms N1574K, N1011K, N1219K, N793K, N1282K, N1228K, N1391K, N879K.
Identifiers: ClinVar variation 4699280 (VCV004699280.1).

ClinVar aggregate classification (germline): Uncertain significance (1 of 4 stars; one submission).

Conditions:
Genitopatellar syndrome (GTPTS). Also called: ABSENT PATELLAE, SCROTAL HYPOPLASIA, RENAL ANOMALIES, FACIAL DYSMORPHISM, AND MENTAL RETARDATION; Genitopatellar syndrome (GPS). Identifiers: Orphanet 85201, MedGen C1853566, MONDO:0011640, OMIM 606170.

Submission:

Labcorp Genetics (formerly Invitae), Labcorp
Classification: Uncertain significance for Genitopatellar syndrome. Last evaluated: 2025-07-15. Review status: criteria provided, single submitter. Criteria: Invitae Variant Classification Sherloc (09022015). Collection method: clinical testing. Allele origin: germline.
Comment: This sequence change replaces asparagine, which is neutral and polar, with lysine, which is basic and polar, at codon 1574 of the KAT6B protein (p.Asn1574Lys). This variant is not present in population databases (gnomAD no frequency). This variant has not been reported in the literature in individuals affected with KAT6B-related conditions. Invitae Evidence Modeling of protein sequence and biophysical properties (such as structural, functional, and spatial information, amino acid conservation, physicochemical variation, residue mobility, and thermodynamic stability) indicates that this missense variant is not expected to disrupt KAT6B protein function with a negative predictive value of 80%. In summary, the available evidence is currently insufficient to determine the role of this variant in disease. Therefore, it has been classified as a Variant of Uncertain Significance.